The following is an entry in ClinVar:

ClinVar aggregate classification (germline): Conflicting classifications of pathogenicity. Review status: criteria provided, conflicting classifications (1 of 4 stars). 2 submissions from 2 submitters: Uncertain significance (1); Likely benign (1). Last evaluated 2025-10-17.

Conditions:
Inborn genetic diseases. Identifiers: MedGen C0950123, MeSH D030342.

Allele frequency attached by ClinVar (database versions not stated): gnomAD 0.00001; TOPMed below 0.00001.
gnomAD v4.1: 4 of 1,611,820 alleles (0.00025%); highest among the groups gnomAD compares: East Asian, 0.0089%; no homozygotes.

Submissions (2):

Labcorp Genetics (formerly Invitae), Labcorp
Classification: Uncertain significance. Last evaluated: 2025-10-17. Review status: criteria provided, single submitter. Criteria: Invitae Variant Classification Sherloc (09022015). Collection method: clinical testing. Allele origin: germline.
Comment: This sequence change replaces glutamine, which is neutral and polar, with histidine, which is basic and polar, at codon 92 of the RAI1 protein (p.Gln92His). This variant is present in population databases (no rsID available, gnomAD 0.01%). This variant has not been reported in the literature in individuals affected with RAI1-related conditions. ClinVar contains an entry for this variant (Variation ID: 2972756). Invitae Evidence Modeling of protein sequence and biophysical properties (such as structural, functional, and spatial information, amino acid conservation, physicochemical variation, residue mobility, and thermodynamic stability) indicates that this missense variant is not expected to disrupt RAI1 protein function with a negative predictive value of 80%. In summary, the available evidence is currently insufficient to determine the role of this variant in disease. Therefore, it has been classified as a Variant of Uncertain Significance.

Ambry Genetics
Classification: Likely benign for Inborn genetic diseases. Last evaluated: 2023-10-14. Review status: criteria provided, single submitter. Criteria: Ambry Variant Classification Scheme 2023. Collection method: clinical testing. Allele origin: germline.

NM_030665.4(RAI1):c.276G>T (p.Gln92His)

Gene: RAI1 (retinoic acid induced 1; plus strand). Cytogenetic location: 17p11.2.
Variant type: single nucleotide variant.
Coding change: c.276G>T on transcript NM_030665.4 (MANE Select); coding-DNA position 276, G replaced by T.
Protein change: p.Gln92His; replaces glutamine 92 with histidine.
Molecular consequence: missense variant.
Genome position (GRCh38, 1-based): chr17:17,793,224, G>T. VCF-style: chr17-17793224-G-T. GRCh37 (hg19) VCF-style: chr17-17696538-G-T.
Other names: c.276G>T (NM_030665.3); short protein forms Q92H.
Identifiers: ClinVar variation 2972756 (VCV002972756.4), dbSNP rs747739571, ClinGen allele CA398545114.